The following is an entry in ClinVar:

NM_004304.5(ALK):c.4391G>T (p.Arg1464Leu)

Gene: ALK (ALK receptor tyrosine kinase; minus strand). Cytogenetic location: 2p23.2.
Variant type: single nucleotide variant.
Coding change: c.4391G>T on transcript NM_004304.5 (MANE Select); coding-DNA position 4391, G replaced by T.
Protein change: p.Arg1464Leu; replaces arginine 1464 with leucine.
Molecular consequence: missense variant.
Genome position (GRCh38, 1-based): chr2:29,193,696, C>A on the plus strand (G>T on the coding strand, the complement: ALK is on the minus strand). VCF-style: chr2-29193696-C-A. GRCh37 (hg19) VCF-style: chr2-29416562-C-A.
Other names: c.1187G>T, p.Arg396Leu (NM_001353765.2); short protein forms R1464L, R396L.
Identifiers: ClinVar variation 4869621 (VCV004869621.1).

ClinVar aggregate classification (germline): Uncertain significance (1 of 4 stars; one submission).

Conditions:
Hereditary cancer-predisposing syndrome. Also called: Neoplastic Syndromes, Hereditary; Tumor predisposition; Hereditary Cancer Syndrome; Hereditary neoplastic syndrome. Identifiers: Orphanet 140162, MedGen C0027672, MeSH D009386, MONDO:0015356.

Submission:

Ambry Genetics
Classification: Uncertain significance for Hereditary cancer-predisposing syndrome. Last evaluated: 2026-03-29. Review status: criteria provided, single submitter. Criteria: Ambry Variant Classification Scheme 2023. Collection method: clinical testing. Allele origin: germline.
Comment: The p.R1464L variant (also known as c.4391G>T), located in coding exon 29 of the ALK gene, results from a G to T substitution at nucleotide position 4391. The arginine at codon 1464 is replaced by leucine, an amino acid with dissimilar properties. This amino acid position is conserved. In addition, this alteration is predicted to be tolerated by in silico analysis. Based on the available evidence, the clinical significance of this variant remains unclear.